The following is an entry in ClinVar:

ClinVar aggregate classification (germline): Uncertain significance (1 of 4 stars; one submission).

Submission:

Labcorp Genetics (formerly Invitae), Labcorp
Classification: Uncertain significance. Last evaluated: 2024-12-19. Review status: criteria provided, single submitter. Criteria: Invitae Variant Classification Sherloc (09022015). Collection method: clinical testing. Allele origin: germline.
Comment: This sequence change falls in intron 19 of the PACS2 gene. It does not directly change the encoded amino acid sequence of the PACS2 protein. It affects a nucleotide within the consensus splice site. This variant is not present in population databases (gnomAD no frequency). This variant has been observed in individual(s) with clinical features of PACS2-related conditions (internal data). Variants that disrupt the consensus splice site are a relatively common cause of aberrant splicing (PMID: 17576681, 9536098). Algorithms developed to predict the effect of sequence changes on RNA splicing suggest that this variant is not likely to affect RNA splicing. In summary, the available evidence is currently insufficient to determine the role of this variant in disease. Therefore, it has been classified as a Variant of Uncertain Significance.

Literature cited by the submitters: PubMed 17576681; PubMed 9536098.

NM_001100913.3(PACS2):c.2033+6del

Gene: PACS2 (phosphofurin acidic cluster sorting protein 2; plus strand). Cytogenetic location: 14q32.33.
Variant type: Deletion.
Coding change: c.2033+6del on transcript NM_001100913.3 (MANE Select); 6 bases into the intron after coding-DNA position 2033, one base deleted (G; older notation c.2033+6delG).
Molecular consequence: intron variant.
Genome position (GRCh38, 1-based): chr14:105,385,723, G deleted; the last of 2 consecutive G bases (chr14:105,385,722-105,385,723); deleting either gives the same sequence. VCF-style (leftmost placement, unchanged base first): chr14-105385721-CG-C. GRCh37 (hg19) VCF-style: chr14-105852058-CG-C.
Other names: c.1763+736del (NM_001243127.3); c.1988+736del (NM_015197.4).
Identifiers: ClinVar variation 3727658 (VCV003727658.2).